The following is an entry in ClinVar:

NM_000548.5(TSC2):c.4885G>A (p.Asp1629Asn)

Gene: TSC2 (TSC complex subunit 2; plus strand). Cytogenetic location: 16p13.3.
Variant type: single nucleotide variant.
Coding change: c.4885G>A on transcript NM_000548.5 (MANE Select); coding-DNA position 4885, G replaced by A.
Protein change: p.Asp1629Asn; replaces aspartic acid 1629 with asparagine.
Molecular consequence: missense variant.
Genome position (GRCh38, 1-based): chr16:2,086,767, G>A. VCF-style: chr16-2086767-G-A. GRCh37 (hg19) VCF-style: chr16-2136768-G-A.
Other names: c.4684G>A, p.Asp1562Asn (NM_001077183.3); c.4816G>A, p.Asp1606Asn (NM_001114382.3); c.4576G>A, p.Asp1526Asn (NM_001318827.2); c.4540G>A, p.Asp1514Asn (NM_001318829.2); c.4153G>A, p.Asp1385Asn (NM_001318831.2); c.4717G>A, p.Asp1573Asn (NM_001318832.2); c.4687G>A, p.Asp1563Asn (NM_001363528.2); c.4753G>A, p.Asp1585Asn (NM_001370404.1); and 2 more; short protein forms D1606N, D1385N, D1526N, D1585N, D1629N, D1514N, D1562N, D1573N.
Identifiers: ClinVar variation 1477023 (VCV001477023.7), dbSNP rs1295162020, ClinGen allele CA394308355.

ClinVar aggregate classification (germline): Conflicting classifications of pathogenicity. Review status: criteria provided, conflicting classifications (1 of 4 stars). 2 submissions from 2 submitters: Uncertain significance (1); Benign (1). Last evaluated 2026-01-14.

Conditions:
Hereditary cancer-predisposing syndrome. Also called: Neoplastic Syndromes, Hereditary; Tumor predisposition; Hereditary Cancer Syndrome; Hereditary neoplastic syndrome. Identifiers: Orphanet 140162, MedGen C0027672, MeSH D009386, MONDO:0015356.
Tuberous sclerosis 2 (TSC2). Identifiers: Orphanet 805, MedGen C1860707, MONDO:0013199, OMIM 613254.

Allele frequency attached by ClinVar (database versions not stated): gnomAD exomes below 0.00001.
gnomAD v4.1: 1 of 1,611,274 alleles (0.000062%); highest among the groups gnomAD compares: South Asian, 0.0011%; no homozygotes.

Submissions (2):

Ambry Genetics
Classification: Uncertain significance for Hereditary cancer-predisposing syndrome. Last evaluated: 2026-01-14. Review status: criteria provided, single submitter. Criteria: Ambry Variant Classification Scheme 2023. Collection method: clinical testing. Allele origin: germline.
Comment: The p.D1629N variant (also known as c.4885G>A), located in coding exon 37 of the TSC2 gene, results from a G to A substitution at nucleotide position 4885. The aspartic acid at codon 1629 is replaced by asparagine, an amino acid with highly similar properties. This amino acid position is not well conserved in available vertebrate species. In addition, the in silico prediction for this alteration is inconclusive. Based on the available evidence, the clinical significance of this variant remains unclear.

Labcorp Genetics (formerly Invitae), Labcorp
Classification: Benign for Tuberous sclerosis 2. Last evaluated: 2024-06-16. Review status: criteria provided, single submitter. Criteria: Invitae Variant Classification Sherloc (09022015). Collection method: clinical testing. Allele origin: germline.